The following is an entry in ClinVar:

ClinVar aggregate classification (germline): Uncertain significance (1 of 4 stars; one submission).

Conditions:
Congenital contractural arachnodactyly (CCA). Also called: BEALS SYNDROME; Beals-Hecht syndrome; Arthrogryposis, distal, type 9. Identifiers: Orphanet 115, MedGen C0220668, MONDO:0007363, OMIM 121050.

Submission:

Labcorp Genetics (formerly Invitae), Labcorp
Classification: Uncertain significance for Congenital contractural arachnodactyly. Last evaluated: 2022-09-23. Review status: criteria provided, single submitter. Criteria: Invitae Variant Classification Sherloc (09022015). Collection method: clinical testing. Allele origin: germline.
Comment: In summary, the available evidence is currently insufficient to determine the role of this variant in disease. Therefore, it has been classified as a Variant of Uncertain Significance. Advanced modeling of protein sequence and biophysical properties (such as structural, functional, and spatial information, amino acid conservation, physicochemical variation, residue mobility, and thermodynamic stability) performed at Invitae indicates that this missense variant is expected to disrupt FBN2 protein function. This variant has not been reported in the literature in individuals affected with FBN2-related conditions. This variant is not present in population databases (gnomAD no frequency). This sequence change replaces glycine, which is neutral and non-polar, with valine, which is neutral and non-polar, at codon 1728 of the FBN2 protein (p.Gly1728Val).

NM_001999.4(FBN2):c.5183G>T (p.Gly1728Val)

Gene: FBN2 (fibrillin 2; minus strand). Cytogenetic location: 5q23.3.
Variant type: single nucleotide variant.
Coding change: c.5183G>T on transcript NM_001999.4 (MANE Select); coding-DNA position 5183, G replaced by T.
Protein change: p.Gly1728Val; replaces glycine 1728 with valine.
Molecular consequence: missense variant.
Genome position (GRCh38, 1-based): chr5:128,310,000, C>A on the plus strand (G>T on the coding strand, the complement: FBN2 is on the minus strand). VCF-style: chr5-128310000-C-A. GRCh37 (hg19) VCF-style: chr5-127645692-C-A.
Other names: short protein forms G1728V.
Identifiers: ClinVar variation 1720229 (VCV001720229.6), dbSNP rs2479735605, ClinGen allele CA360744366.